The following is an entry in ClinVar:

NM_015474.4(SAMHD1):c.1243G>A (p.Asp415Asn)

Gene: SAMHD1 (SAM and HD domain containing deoxynucleoside triphosphate triphosphohydrolase 1; minus strand). Cytogenetic location: 20q11.23.
Variant type: single nucleotide variant.
Coding change: c.1243G>A on transcript NM_015474.4 (MANE Select); coding-DNA position 1243, G replaced by A.
Protein change: p.Asp415Asn; replaces aspartic acid 415 with asparagine.
Molecular consequence: missense variant.
Genome position (GRCh38, 1-based): chr20:36,911,245, C>T on the plus strand (G>A on the coding strand, the complement: SAMHD1 is on the minus strand). VCF-style: chr20-36911245-C-T. GRCh37 (hg19) VCF-style: chr20-35539648-C-T.
Other names: c.1243G>A, p.Asp415Asn (NM_001363729.2, NM_001363733.2); short protein forms D415N.
Identifiers: ClinVar variation 2070481 (VCV002070481.3), dbSNP rs1367501833, ClinGen allele CA408843376.
Genomic context (GRCh38, chr20:36,911,245, plus strand): 5'-GATGGACCATCTATGTTACCTGTTACTTCTTACCTGTCAGCTTAGTATAGGCTTCCATGT[C>T]GTCAATTGCTGTAGAAATGCGATACTTTTTTCCTCCAGCACCTGTAATCTCTATGTAGTC-3'
Protein context (NP_056289.2, residues 405-425): KKYRISTAID[Asp415Asn]MEAYTKLTDN

ClinVar aggregate classification (germline): Uncertain significance. Review status: criteria provided, multiple submitters, no conflicts (2 of 4 stars). 3 submissions from 3 submitters: Uncertain significance (3). Last evaluated 2025-04-16.

Conditions:
Aicardi-Goutieres syndrome 5. Identifiers: Orphanet 51, MedGen C2749659, MONDO:0013059, OMIM 612952.
Inborn genetic diseases. Identifiers: MedGen C0950123, MeSH D030342.

Allele frequency attached by ClinVar (database versions not stated): TOPMed 0.00002.

Submissions (3):

ARUP Laboratories, Molecular Genetics and Genomics, ARUP Laboratories
Classification: Uncertain significance. Last evaluated: 2025-04-16. Review status: criteria provided, single submitter. Criteria: ARUP Molecular Germline Variant Investigation Process 2024. Collection method: clinical testing. Allele origin: germline.

Ambry Genetics
Classification: Uncertain significance for Inborn genetic diseases. Last evaluated: 2025-04-11. Review status: criteria provided, single submitter. Criteria: Ambry Variant Classification Scheme 2023. Collection method: clinical testing. Allele origin: germline.

Labcorp Genetics (formerly Invitae), Labcorp
Classification: Uncertain significance for Aicardi-Goutieres syndrome 5. Last evaluated: 2022-02-01. Review status: criteria provided, single submitter. Criteria: Invitae Variant Classification Sherloc (09022015). Collection method: clinical testing. Allele origin: germline.
Comment: This sequence change replaces aspartic acid, which is acidic and polar, with asparagine, which is neutral and polar, at codon 415 of the SAMHD1 protein (p.Asp415Asn). This variant is not present in population databases (gnomAD no frequency). This variant has not been reported in the literature in individuals affected with SAMHD1-related conditions. Algorithms developed to predict the effect of missense changes on protein structure and function output the following: SIFT: "Deleterious"; PolyPhen-2: "Benign"; Align-GVGD: "Class C0". The asparagine amino acid residue is found in multiple mammalian species, which suggests that this missense change does not adversely affect protein function. In summary, the available evidence is currently insufficient to determine the role of this variant in disease. Therefore, it has been classified as a Variant of Uncertain Significance.